The following is an entry in ClinVar:

NM_025099.6(CTC1):c.1439A>G (p.Lys480Arg)

Gene: CTC1 (CST telomere replication complex component 1; minus strand). Cytogenetic location: 17p13.1.
Variant type: single nucleotide variant.
Coding change: c.1439A>G on transcript NM_025099.6 (MANE Select); coding-DNA position 1439, A replaced by G.
Protein change: p.Lys480Arg; replaces lysine 480 with arginine.
Molecular consequence: missense variant. On other transcripts: non-coding transcript variant (1).
Genome position (GRCh38, 1-based): chr17:8,235,053, T>C on the plus strand (A>G on the coding strand, the complement: CTC1 is on the minus strand). VCF-style: chr17-8235053-T-C. GRCh37 (hg19) VCF-style: chr17-8138371-T-C.
Other names: c.1439A>G, p.Lys480Arg (NM_001411067.1); short protein forms K480R.
Identifiers: ClinVar variation 2141221 (VCV002141221.5), dbSNP rs1464701543, ClinGen allele CA397984438.

ClinVar aggregate classification (germline): Uncertain significance. Review status: criteria provided, multiple submitters, no conflicts (2 of 4 stars). 2 submissions from 2 submitters: Uncertain significance (2). Last evaluated 2024-09-30.

Conditions:
Dyskeratosis congenita. Identifiers: Orphanet 1775, MedGen C0265965, MONDO:0015780.

Allele frequency attached by ClinVar (database versions not stated): gnomAD exomes below 0.00001; TOPMed below 0.00001; gnomAD 0.00001.
gnomAD v4.1: 7 of 1,613,662 alleles (0.00043%); highest among the groups gnomAD compares: Non-Finnish European, 0.00051%; no homozygotes.

Submissions (2):

Labcorp Genetics (formerly Invitae), Labcorp
Classification: Uncertain significance for Dyskeratosis congenita. Last evaluated: 2024-09-30. Review status: criteria provided, single submitter. Criteria: Invitae Variant Classification Sherloc (09022015). Collection method: clinical testing. Allele origin: germline.
Comment: This sequence change replaces lysine, which is basic and polar, with arginine, which is basic and polar, at codon 480 of the CTC1 protein (p.Lys480Arg). This variant is not present in population databases (gnomAD no frequency). This variant has not been reported in the literature in individuals affected with CTC1-related conditions. ClinVar contains an entry for this variant (Variation ID: 2141221). An algorithm developed to predict the effect of missense changes on protein structure and function (PolyPhen-2) suggests that this variant is likely to be tolerated. In summary, the available evidence is currently insufficient to determine the role of this variant in disease. Therefore, it has been classified as a Variant of Uncertain Significance.

Blueprint Genetics
Classification: Uncertain significance. Last evaluated: 2023-12-15. Review status: criteria provided, single submitter. Criteria: ACMG Guidelines, 2015. Collection method: clinical testing. Allele origin: germline.